The following is an entry in ClinVar:

ClinVar aggregate classification (germline): Pathogenic (0 of 4 stars; one submission).

Conditions:
Syndromic intellectual disability. Also called: Intellectual disability syndrome. Identifiers: Orphanet 183763, MedGen C5680525, MONDO:0000508.

Submission:

Wilkie Group, Clinical Genetics Lab, WIMM, University of Oxford
Classification: Pathogenic for Syndromic intellectual disability. Last evaluated: 2021-01-01. Review status: no assertion criteria provided. Collection method: clinical testing. Allele origin: de novo. Affected: yes.
Comment: De novo

GRCh38/hg38 19q13.2(chr19:42198610-42249880)x1

Genes: DEDD2 (death effector domain containing 2; minus strand), ZNF526 (zinc finger protein 526; plus strand), ERF (ETS2 repressor factor; minus strand), GSK3A (glycogen synthase kinase 3 alpha; minus strand), LOC130064561 (ATAC-STARR-seq lymphoblastoid silent region 10690; plus strand) and 8 more. Cytogenetic location: 19q13.2.
Variant type: copy number loss.
Change: copy number 1 (one copy instead of two) of chr19:42,198,610-42,249,880 (51.3 kb, GRCh38 coordinates, 1-based), cytogenetic band 19q13.2.
Identifiers: ClinVar variation 1064662 (VCV001064662.1).